The following is an entry in ClinVar:

ClinVar aggregate classification (germline): Likely benign (1 of 4 stars; one submission).

gnomAD v4.1: 82 of 1,613,916 alleles (0.0051%); highest among the groups gnomAD compares: Non-Finnish European, 0.002%; no homozygotes.

Submission:

CeGaT Center for Human Genetics Tuebingen
Classification: Likely benign. Last evaluated: 2024-09-01. Review status: criteria provided, single submitter. Criteria: CeGaT Center For Human Genetics Tuebingen Variant Classification Criteria Version 2. Collection method: clinical testing. Allele origin: germline. Affected: yes. Observed: 1 variant allele.
Comment: CATIP: BP4, BP7

NM_198559.2(CATIP):c.291C>T (p.Asp97=)

Genes: CATIP (ciliogenesis associated TTC17 interacting protein; plus strand), CATIP-AS2 (CATIP antisense RNA 2; minus strand). Cytogenetic location: 2q35.
Variant type: single nucleotide variant.
Coding change: c.291C>T on transcript NM_198559.2 (MANE Select); coding-DNA position 291, C replaced by T.
Protein change: p.Asp97=; no amino-acid change (aspartic acid 97 retained).
Molecular consequence: synonymous variant.
Genome position (GRCh38, 1-based): chr2:218,357,706, C>T. VCF-style: chr2-218357706-C-T. GRCh37 (hg19) VCF-style: chr2-219222429-C-T.
Other names: c.324C>T, p.Asp108= (NM_001320865.2).
Identifiers: ClinVar variation 3389173 (VCV003389173.14).
Genomic context (GRCh38, chr2:218,357,706, plus strand): 5'-AAAACTCGGCATGCTGACATACTGCCTCTTCGTGCATGCCTCTAGCCGAGGCTTCTTGGA[C>T]AAAATGCTCTGCGGAAATTCCCTCCTGGGTAGCGTTCCTACTGCCTGATGCCCGTCACTC-3'
Protein context (NP_940961.1, residues 87-107): FVHASSRGFL[Asp97=]KMLCGNSLLG